The following is an entry in ClinVar:

NM_000395.3(CSF2RB):c.763G>A (p.Ala255Thr)

Gene: CSF2RB (colony stimulating factor 2 receptor subunit beta; plus strand). Cytogenetic location: 22q12.3.
Variant type: single nucleotide variant.
Coding change: c.763G>A on transcript NM_000395.3 (MANE Select); coding-DNA position 763, G replaced by A.
Protein change: p.Ala255Thr; replaces alanine 255 with threonine.
Molecular consequence: missense variant.
Genome position (GRCh38, 1-based): chr22:36,930,419, G>A. VCF-style: chr22-36930419-G-A. GRCh37 (hg19) VCF-style: chr22-37326461-G-A.
Other names: c.763G>A (NM_000395.2); short protein forms A255T.
Identifiers: ClinVar variation 1507905 (VCV001507905.7), dbSNP rs777489716, ClinGen allele CA10213578.
Genomic context (GRCh38, chr22:36,930,419, plus strand): 5'-CCTGTCTCCAACCCAGGGGATGAGGCCCAGCCCCAGAACCTGGAGTGCTTCTTTGACGGG[G>A]CCGCCGTGCTCAGCTGCTCCTGGGAGGTGAGGAAGGAGGTGGCCAGCTCGGTCTCCTTTG-3'
Protein context (NP_000386.1, residues 245-265): PQNLECFFDG[Ala255Thr]AVLSCSWEVR

ClinVar aggregate classification (germline): Uncertain significance. Review status: criteria provided, multiple submitters, no conflicts (2 of 4 stars). 2 submissions from 2 submitters: Uncertain significance (2). Last evaluated 2025-07-15.

Conditions:
Inborn genetic diseases. Identifiers: MedGen C0950123, MeSH D030342.

Allele frequency attached by ClinVar (database versions not stated): ExAC 0.00001; gnomAD 0.00001; TOPMed 0.00001; gnomAD exomes 0.00002.
gnomAD v4.1: 29 of 1,613,540 alleles (0.0018%); highest among the groups gnomAD compares: Non-Finnish European, 0.0022%; no homozygotes.

Submissions (2):

Ambry Genetics
Classification: Uncertain significance for Inborn genetic diseases. Last evaluated: 2025-07-15. Review status: criteria provided, single submitter. Criteria: Ambry Variant Classification Scheme 2023. Collection method: clinical testing. Allele origin: germline.

Labcorp Genetics (formerly Invitae), Labcorp
Classification: Uncertain significance. Last evaluated: 2024-10-07. Review status: criteria provided, single submitter. Criteria: Invitae Variant Classification Sherloc (09022015). Collection method: clinical testing. Allele origin: germline.
Comment: This sequence change replaces alanine, which is neutral and non-polar, with threonine, which is neutral and polar, at codon 255 of the CSF2RB protein (p.Ala255Thr). This variant is present in population databases (rs777489716, gnomAD 0.004%). This variant has not been reported in the literature in individuals affected with CSF2RB-related conditions. ClinVar contains an entry for this variant (Variation ID: 1507905). Invitae Evidence Modeling of protein sequence and biophysical properties (such as structural, functional, and spatial information, amino acid conservation, physicochemical variation, residue mobility, and thermodynamic stability) indicates that this missense variant is not expected to disrupt CSF2RB protein function with a negative predictive value of 80%. In summary, the available evidence is currently insufficient to determine the role of this variant in disease. Therefore, it has been classified as a Variant of Uncertain Significance.